The following is an entry in ClinVar:

ClinVar aggregate classification (germline): Pathogenic/Likely pathogenic. Review status: criteria provided, multiple submitters, no conflicts (2 of 4 stars). 2 submissions from 2 submitters: Pathogenic (1); Likely pathogenic (1). Last evaluated 2025-01-16.

Conditions:
Hydroxykynureninuria. Also called: Encephalopathy due to hydroxykynureninuria; Xanthurenic aciduria; Kynureninase deficiency. Identifiers: Orphanet 79155, MedGen C0268474, MONDO:0009372, OMIM 236800.
Vertebral, cardiac, renal, and limb defects syndrome 2. Also called: KYNURENINASE DEFICIENCY, COMPLETE; CONGENITAL NAD DEFICIENCY DISORDER 2. Identifiers: MedGen C4540014, MONDO:0060555, OMIM 617661.
Catel-Manzke syndrome. Also called: MICROGNATHIA DIGITAL SYNDROME; PIERRE ROBIN SYNDROME WITH HYPERPHALANGY AND CLINODACTYLY; HYPERPHALANGY-CLINODACTYLY OF INDEX FINGER WITH PIERRE ROBIN SYNDROME; INDEX FINGER ANOMALY WITH PIERRE ROBIN SYNDROME. Identifiers: Orphanet 1388, MedGen C1844887, MONDO:0014507, OMIM 616145.

Allele frequency attached by ClinVar (database versions not stated): gnomAD exomes below 0.00001 and 0.00001; ExAC 0.00002.
gnomAD v4.1: 3 of 1,613,324 alleles (0.00019%); highest among the groups gnomAD compares: Non-Finnish European, 0.00017%; no homozygotes.

Submissions (2):

First Genomix Gene Laboratory, Genetic Diagnostics Department
Classification: Likely pathogenic for Hydroxykynureninuria; Vertebral, cardiac, renal, and limb defects syndrome 2. Last evaluated: 2025-01-16. Review status: criteria provided, single submitter. Criteria: ACMG Guidelines, 2015. Collection method: clinical testing. Allele origin: germline. Inheritance: Autosomal recessive inheritance. Affected: no. Observed: 1 variant allele.

Institute for Medical Genetics and Human Genetics, Charité - Universitätsmedizin Berlin
Classification: Pathogenic for Catel-Manzke syndrome. Last evaluated: 2012-01-07. Review status: criteria provided, single submitter. Criteria: ACMG Guidelines, 2015. Collection method: research. Allele origin: germline. Inheritance: Autosomal recessive inheritance. Affected: yes. Observed: 2 compound heterozygotes. Clinical features observed: Finger hyperphalangy (HP:0030367).

Literature cited by the submitters: PubMed 31923704 (cited by Institute for Medical Genetics and Human Genetics, Charité - Universitätsmedizin Berlin).

NM_003937.3(KYNU):c.326G>C (p.Trp109Ser)

Gene: KYNU (kynureninase; plus strand). Cytogenetic location: 2q22.2.
Variant type: single nucleotide variant.
Coding change: c.326G>C on transcript NM_003937.3 (MANE Select); coding-DNA position 326, G replaced by C.
Protein change: p.Trp109Ser; replaces tryptophan 109 with serine.
Molecular consequence: missense variant.
Genome position (GRCh38, 1-based): chr2:142,927,694, G>C. VCF-style: chr2-142927694-G-C. GRCh37 (hg19) VCF-style: chr2-143685263-G-C.
Other names: c.326G>C, p.Trp109Ser (NM_001032998.2, NM_001199241.2); short protein forms W109S.
Identifiers: ClinVar variation 978270 (VCV000978270.3), dbSNP rs780720490, ClinGen allele CA1896642.